The following is an entry in ClinVar:

NM_001025616.3(ARHGAP24):c.535C>A (p.Gln179Lys)

Gene: ARHGAP24 (Rho GTPase activating protein 24; plus strand). Cytogenetic location: 4q21.23.
Variant type: single nucleotide variant.
Coding change: c.535C>A on transcript NM_001025616.3 (MANE Select); coding-DNA position 535, C replaced by A.
Protein change: p.Gln179Lys; replaces glutamine 179 with lysine.
Molecular consequence: missense variant. On other transcripts: intron variant (1).
Genome position (GRCh38, 1-based): chr4:85,942,209, C>A. VCF-style: chr4-85942209-C-A. GRCh37 (hg19) VCF-style: chr4-86863362-C-A.
Other names: c.250C>A, p.Gln84Lys (NM_001042669.2); c.280C>A, p.Gln94Lys (NM_001287805.2); c.256C>A, p.Gln86Lys (NM_031305.3); c.20+18439C>A (NM_001346093.2); short protein forms Q84K, Q86K, Q94K, Q179K.
Identifiers: ClinVar variation 2069754 (VCV002069754.5), dbSNP rs770512483, ClinGen allele CA2994519.

ClinVar aggregate classification (germline): Uncertain significance. Review status: criteria provided, multiple submitters, no conflicts (2 of 4 stars). 2 submissions from 2 submitters: Uncertain significance (2). Last evaluated 2024-03-16.

Allele frequency attached by ClinVar (database versions not stated): ExAC 0.00001; gnomAD exomes 0.00001.
gnomAD v4.1: 23 of 1,613,958 alleles (0.0014%); highest among the groups gnomAD compares: Non-Finnish European, 0.0019%; no homozygotes.

Submissions (2):

Blueprint Genetics
Classification: Uncertain significance. Last evaluated: 2024-03-16. Review status: criteria provided, single submitter. Criteria: ACMG Guidelines, 2015. Collection method: clinical testing. Allele origin: germline.

Labcorp Genetics (formerly Invitae), Labcorp
Classification: Uncertain significance. Last evaluated: 2024-01-09. Review status: criteria provided, single submitter. Criteria: Invitae Variant Classification Sherloc (09022015). Collection method: clinical testing. Allele origin: germline.
Comment: This sequence change replaces glutamine, which is neutral and polar, with lysine, which is basic and polar, at codon 179 of the ARHGAP24 protein (p.Gln179Lys). This variant is present in population databases (rs770512483, gnomAD 0.002%). This variant has not been reported in the literature in individuals affected with ARHGAP24-related conditions. ClinVar contains an entry for this variant (Variation ID: 2069754). An algorithm developed to predict the effect of missense changes on protein structure and function (PolyPhen-2) suggests that this variant is likely to be tolerated. In summary, the available evidence is currently insufficient to determine the role of this variant in disease. Therefore, it has been classified as a Variant of Uncertain Significance.